The following is an entry in ClinVar:

NM_000059.4(BRCA2):c.5024G>A (p.Cys1675Tyr)

Gene: BRCA2 (BRCA2 DNA repair associated; plus strand). Cytogenetic location: 13q13.1.
Variant type: single nucleotide variant.
Coding change: c.5024G>A on transcript NM_000059.4 (MANE Select); coding-DNA position 5024, G replaced by A.
Protein change: p.Cys1675Tyr; replaces cysteine 1675 with tyrosine.
Molecular consequence: missense variant. On other transcripts: non-coding transcript variant (1), intron variant (2).
Genome position (GRCh38, 1-based): chr13:32,339,379, G>A. VCF-style: chr13-32339379-G-A. GRCh37 (hg19) VCF-style: chr13-32913516-G-A.
Other names: c.5024G>A, p.Cys1675Tyr (NM_001406719.1, NM_001406720.1); c.1910-5179G>A (NM_001406721.1); c.425-5179G>A (NM_001406722.1); short protein forms C1675Y.
Identifiers: ClinVar variation 2501278 (VCV002501278.3), dbSNP rs2137512936, ClinGen allele CA387783968.
Genomic context (GRCh38, chr13:32,339,379, plus strand): 5'-ACACAAATCAGTCCCCTTATTCAGTCATTGAAAATTCAGCCTTAGCTTTTTACACAAGTT[G>A]TAGTAGAAAAACTTCTGTGAGTCAGACTTCATTACTTGAAGCAAAAAAATGGCTTAGAGA-3'
Protein context (NP_000050.3, residues 1665-1685): ENSALAFYTS[Cys1675Tyr]SRKTSVSQTS

ClinVar aggregate classification (germline): Uncertain significance. Review status: criteria provided, multiple submitters, no conflicts (2 of 4 stars). 2 submissions from 2 submitters: Uncertain significance (2). Last evaluated 2024-10-19.

Conditions:
Hereditary breast ovarian cancer syndrome. Also called: BRCA1- and BRCA2-Associated Hereditary Breast and Ovarian Cancer; Hereditary breast and ovarian cancer syndrome (HBOC); Breast and ovarian cancer; Hereditary breast and ovarian cancer syndrome; Hereditary breast and/or ovarian cancer syndrome; Hereditary breast and ovarian cancer. Identifiers: Orphanet 145, MedGen C0677776, MeSH D061325, MONDO:0003582. Disease mechanism: loss of function.

Allele frequency attached by ClinVar (database versions not stated): gnomAD exomes below 0.00001.
gnomAD v4.1: 1 of 1,594,966 alleles (0.000063%); highest among the groups gnomAD compares: Non-Finnish European, 0.000085%; no homozygotes.

Submissions (2):

Labcorp Genetics (formerly Invitae), Labcorp
Classification: Uncertain significance for Hereditary breast ovarian cancer syndrome. Last evaluated: 2024-10-19. Review status: criteria provided, single submitter. Criteria: Invitae Variant Classification Sherloc (09022015). Collection method: clinical testing. Allele origin: germline.
Comment: This sequence change replaces cysteine, which is neutral and slightly polar, with tyrosine, which is neutral and polar, at codon 1675 of the BRCA2 protein (p.Cys1675Tyr). This variant is not present in population databases (gnomAD no frequency). This variant has not been reported in the literature in individuals affected with BRCA2-related conditions. ClinVar contains an entry for this variant (Variation ID: 2501278). Invitae Evidence Modeling of protein sequence and biophysical properties (such as structural, functional, and spatial information, amino acid conservation, physicochemical variation, residue mobility, and thermodynamic stability) indicates that this missense variant is not expected to disrupt BRCA2 protein function with a negative predictive value of 95%. In summary, the available evidence is currently insufficient to determine the role of this variant in disease. Therefore, it has been classified as a Variant of Uncertain Significance.

Women's Health and Genetics/Laboratory Corporation of America, LabCorp
Classification: Uncertain significance. Last evaluated: 2023-03-03. Review status: criteria provided, single submitter. Criteria: LabCorp Variant Classification Summary - May 2015. Collection method: clinical testing. Allele origin: germline.
Comment: Variant summary: BRCA2 c.5024G>A (p.Cys1675Tyr) results in a non-conservative amino acid change in the encoded protein sequence. Three of four in-silico tools predict a benign effect of the variant on protein function. The variant was absent in 236258 control chromosomes. The available data on variant occurrences in the general population are insufficient to allow any conclusion about variant significance. c.5024G>A has been reported in the literature in individuals affected with Hereditary Breast And Ovarian Cancer Syndrome (Ma_2016). These report(s) do not provide unequivocal conclusions about association of the variant with Hereditary Breast And Ovarian Cancer Syndrome. To our knowledge, no experimental evidence demonstrating an impact on protein function has been reported. No clinical diagnostic laboratories have submitted clinical-significance assessments for this variant to ClinVar after 2014. Based on the evidence outlined above, the variant was classified as uncertain significance.

Literature cited by the submitters: PubMed 27602761 (cited by Women's Health and Genetics/Laboratory Corporation of America, LabCorp).